The following is an entry in ClinVar:

ClinVar aggregate classification (germline): Likely pathogenic (1 of 4 stars; one submission).

Conditions:
Neurodevelopmental-craniofacial syndrome with variable renal and cardiac abnormalities. Identifiers: MedGen C5561984, MONDO:0859190, OMIM 619522.

Submission:

Variantyx, Inc.
Classification: Likely pathogenic for Neurodevelopmental-craniofacial syndrome with variable renal and cardiac abnormalities. Last evaluated: 2025-07-03. Review status: criteria provided, single submitter. Criteria: Variantyx Assertion Criteria 2022. Collection method: clinical testing. Allele origin: germline. Inheritance: Autosomal dominant inheritance. Affected: no.
Comment: This is a frameshift variant in the ZMYM2 gene (OMIM: 602221). Pathogenic variants in this gene have been associated with autosomal dominant neurodevelopmental-craniofacial syndrome with variable renal and cardiac abnormalities. This variant introduces a premature termination codon in exon 16 out of 25 and is expected to result in loss of function, which is a known disease mechanism for ZMYM2 in this disorder (PMID: 32891193) (PVS1). It has a 0.0001% maximum allele frequency in non-founder control populations (PM2). Based on the current evidence, this variant is classified as likely pathogenic for autosomal dominant neurodevelopmental-craniofacial syndrome with variable renal and cardiac abnormalities.Inter- and intrafamilial clinical variability has been described (PMID:32891193).

Literature cited by the submitters: PubMed 32891193.

NM_197968.4(ZMYM2):c.2716_2718delinsACTA (p.Val906fs)

Gene: ZMYM2 (zinc finger MYM-type containing 2; plus strand). Cytogenetic location: 13q12.11.
Variant type: Indel.
Coding change: c.2716_2718delinsACTA on transcript NM_197968.4 (MANE Select); coding-DNA positions 2716 to 2718, GTT replaced by ACTA.
Protein change: p.Val906fs; shifts the reading frame from valine 906.
Molecular consequence: frameshift variant. On other transcripts: non-coding transcript variant (1).
Genome position (GRCh38, 1-based): chr13:20,059,539-20,059,541, GTT replaced by ACTA. VCF-style: chr13-20059539-GTT-ACTA. GRCh37 (hg19) VCF-style: chr13-20633679-GTT-ACTA.
Other names: c.2716_2718delinsACTA, p.Val906fs (NM_001190964.4, NM_001190965.4, NM_001353157.2 and 5 more transcripts); c.2521_2523delinsACTA, p.Val841fs (NM_001353161.3); c.2455_2457delinsACTA, p.Val819fs (NM_001353163.2); short protein forms V819fs, V841fs, V906fs.
Identifiers: ClinVar variation 4850205 (VCV004850205.1).